The following is an entry in ClinVar:

NM_002496.4(NDUFS8):c.501+5G>A

Gene: NDUFS8 (NADH:ubiquinone oxidoreductase core subunit S8; plus strand). Cytogenetic location: 11q13.2.
Variant type: single nucleotide variant.
Coding change: c.501+5G>A on transcript NM_002496.4 (MANE Select); 5 bases into the intron after coding-DNA position 501, G replaced by A.
Molecular consequence: intron variant.
Genome position (GRCh38, 1-based): chr11:68,036,386, G>A. VCF-style: chr11-68036386-G-A. GRCh37 (hg19) VCF-style: chr11-67803853-G-A.
Identifiers: ClinVar variation 3254824 (VCV003254824.2), dbSNP rs775708906.
Genomic context (GRCh38, chr11:68,036,386, plus strand): 5'-AGTGCATCTACTGCGGCTTCTGCCAGGAGGCCTGTCCCGTGGATGCCATCGTCGAGGCAC[G>A]TGAGGCCCCCGGGTGGGAGGGGGCCTGAGGCTCCTCAGCAGGGCCTAACCACCGTCCCTG-3'

ClinVar aggregate classification (germline): Likely pathogenic (1 of 4 stars; one submission).

Conditions:
Mitochondrial complex I deficiency, nuclear type 2. Also called: Mitochondrial complex 1 deficiency, nuclear type 2. Identifiers: MedGen C4748737, MONDO:0032606, OMIM 618222.

Allele frequency attached by ClinVar (database versions not stated): ExAC 0.00002.
gnomAD v4.1: 12 of 1,613,744 alleles (0.00074%); highest among the groups gnomAD compares: East Asian, 0.0022%; no homozygotes.

Submission:

Victorian Clinical Genetics Services, Murdoch Childrens Research Institute
Classification: Likely pathogenic for Mitochondrial complex I deficiency, nuclear type 2. Last evaluated: 2024-09-23. Review status: criteria provided, single submitter. Criteria: ACMG Guidelines, 2015. Collection method: clinical testing. Allele origin: germline. Inheritance: Autosomal recessive inheritance. Affected: yes.
Comment: Based on the classification scheme VCGS_Germline_v1.3.4, this variant is classified as Likely Pathogenic. Following criteria are met: 0102 - Loss of function is a known mechanism of disease in this gene and is associated with mitochondrial complex I deficiency, nuclear type 2 (MIM#618222). (I) 0106 - This gene is associated with autosomal recessive disease. (I) 0210 - Splice site variant proven to affect splicing of the transcript with a known effect on protein sequence. RNA studies performed on this individual's samples demonstrated two events. The first was a marked increment compared to controls, exon 6 skipping leading to p.(Ala125_Glu167del); and the second was a small increase compared to controls, intron 6 retention leading to a protein truncating variant p.(Gly168Alafs*11) (Splicing Diagnostics, Kids Neuroscience Centre, NSW, Australia). (SP) 0252 - This variant is homozygous. (I) 0304 - Variant is present in gnomAD <0.01 for a recessive condition (v2: 2 heterozygotes, 0 homozygotes). (SP) 0705 - No comparable splice site variants have previous evidence for pathogenicity. (I) 0807 - This variant has no previous evidence of pathogenicity. (I) 0905 - No published segregation evidence has been identified for this variant. (I) 1002 - This variant has moderate functional evidence supporting abnormal protein function. Proteomics performed on individual's samples demonstrated a reduction in NDUFS8 protein as well as Complex I (Brain and Mitochondrial Department, Murdoch Children's Research Institute, Victoria, Australia). (I) Legend: (SP) - Supporting pathogenic, (I) - Information, (SB) - Supporting benign